The following is an entry in ClinVar:

NM_002878.4(RAD51D):c.548A>C (p.Gln183Pro)

Genes: RAD51D (RAD51 paralog D; minus strand), RAD51L3-RFFL (RAD51L3-RFFL readthrough; minus strand). Cytogenetic location: 17q12.
Variant type: single nucleotide variant.
Coding change: c.548A>C on transcript NM_002878.4 (MANE Select); coding-DNA position 548, A replaced by C.
Protein change: p.Gln183Pro; replaces glutamine 183 with proline.
Molecular consequence: missense variant. On other transcripts: non-coding transcript variant (3).
Genome position (GRCh38, 1-based): chr17:35,106,414, T>G on the plus strand (A>C on the coding strand, the complement: RAD51D is on the minus strand). VCF-style: chr17-35106414-T-G. GRCh37 (hg19) VCF-style: chr17-33433433-T-G.
Other names: c.608A>C, p.Gln203Pro (NM_001142571.2); c.212A>C, p.Gln71Pro (NM_133629.3); short protein forms Q183P, Q71P, Q203P.
Identifiers: ClinVar variation 825768 (VCV000825768.15), dbSNP rs1597861698, ClinGen allele CA399088670.

ClinVar aggregate classification (germline): Uncertain significance. Review status: criteria provided, multiple submitters, no conflicts (2 of 4 stars). 3 submissions from 3 submitters: Uncertain significance (3). Last evaluated 2024-09-18.

Conditions:
Breast-ovarian cancer, familial, susceptibility to, 4. Identifiers: Orphanet 145, MedGen C3280345, MONDO:0013669, OMIM 614291.
Hereditary cancer-predisposing syndrome. Also called: Neoplastic Syndromes, Hereditary; Tumor predisposition; Hereditary neoplastic syndrome; Hereditary Cancer Syndrome. Identifiers: Orphanet 140162, MedGen C0027672, MeSH D009386, MONDO:0015356.

Allele frequency attached by ClinVar (database versions not stated): gnomAD exomes below 0.00001.
gnomAD v4.1: 3 of 1,613,376 alleles (0.00019%); highest among the groups gnomAD compares: Non-Finnish European, 0.00025%; no homozygotes.

Submissions (3):

Ambry Genetics
Classification: Uncertain significance for Hereditary cancer-predisposing syndrome. Last evaluated: 2024-09-18. Review status: criteria provided, single submitter. Criteria: Ambry Variant Classification Scheme 2023. Collection method: clinical testing. Allele origin: germline.
Comment: The p.Q183P variant (also known as c.548A>C), located in coding exon 6 of the RAD51D gene, results from an A to C substitution at nucleotide position 548. The glutamine at codon 183 is replaced by proline, an amino acid with similar properties. This amino acid position is well conserved in available vertebrate species. In addition, this alteration is predicted to be deleterious by in silico analysis. Since supporting evidence is limited at this time, the clinical significance of this alteration remains unclear.

Color Diagnostics, LLC DBA Color Health
Classification: Uncertain significance for Hereditary cancer-predisposing syndrome. Last evaluated: 2021-12-08. Review status: criteria provided, single submitter. Criteria: ACMG Guidelines, 2015. Collection method: clinical testing. Allele origin: germline.
Comment: This missense variant replaces glutamine with proline at codon 183 of the RAD51D protein. Computational prediction suggests that this variant may not impact protein structure and function (internally defined REVEL score threshold <= 0.5, PMID: 27666373). To our knowledge, functional studies have not been reported for this variant. This variant has not been reported in individuals affected with hereditary cancer in the literature. This variant has not been identified in the general population by the Genome Aggregation Database (gnomAD). The available evidence is insufficient to determine the role of this variant in disease conclusively. Therefore, this variant is classified as a Variant of Uncertain Significance.

Labcorp Genetics (formerly Invitae), Labcorp
Classification: Uncertain significance for Breast-ovarian cancer, familial, susceptibility to, 4. Last evaluated: 2021-01-11. Review status: criteria provided, single submitter. Criteria: Invitae Variant Classification Sherloc (09022015). Collection method: clinical testing. Allele origin: germline.
Comment: In summary, the available evidence is currently insufficient to determine the role of this variant in disease. Therefore, it has been classified as a Variant of Uncertain Significance. Algorithms developed to predict the effect of missense changes on protein structure and function are either unavailable or do not agree on the potential impact of this missense change (SIFT: "Tolerated"; PolyPhen-2: "Possibly Damaging"; Align-GVGD: "Class C0"). This variant has not been reported in the literature in individuals with RAD51D-related conditions. ClinVar contains an entry for this variant (Variation ID: 825768). This variant is not present in population databases (ExAC no frequency). This sequence change replaces glutamine with proline at codon 183 of the RAD51D protein (p.Gln183Pro). The glutamine residue is moderately conserved and there is a moderate physicochemical difference between glutamine and proline.